The following is an entry in ClinVar:

NM_015178.3(RHOBTB2):c.1615C>G (p.Arg539Gly)

Gene: RHOBTB2 (Rho related BTB domain containing 2; plus strand). Cytogenetic location: 8p21.3.
Variant type: single nucleotide variant.
Coding change: c.1615C>G on transcript NM_015178.3 (MANE Select); coding-DNA position 1615, C replaced by G.
Protein change: p.Arg539Gly; replaces arginine 539 with glycine.
Molecular consequence: missense variant.
Genome position (GRCh38, 1-based): chr8:23,008,106, C>G. VCF-style: chr8-23008106-C-G. GRCh37 (hg19) VCF-style: chr8-22865619-C-G.
Other names: c.1681C>G, p.Arg561Gly (NM_001160036.2); c.1636C>G, p.Arg546Gly (NM_001160037.2); c.1615C>G, p.Arg539Gly (NM_001374791.1); short protein forms R539G, R546G, R561G.
Identifiers: ClinVar variation 1380438 (VCV001380438.6), dbSNP rs571326568, ClinGen allele CA4672697.
Genomic context (GRCh38, chr8:23,008,106, plus strand): 5'-ATTTCCAGCTGTGACTGGATGGCTGCCATGTTTGGGGGGCCATTTGTGGAGAGCTCCACC[C>G]GGGAGGTAAGGCTGAGGACACAAAGGGGGGAAGGAGGGAGTGAGACATTTGCACCCTTTA-3'
Protein context (NP_055993.2, residues 529-549): FGGPFVESST[Arg539Gly]EVVFPYTSKS

ClinVar aggregate classification (germline): Uncertain significance (1 of 4 stars; one submission).

gnomAD v4.1: 8 of 1,607,660 alleles (0.0005%); highest among the groups gnomAD compares: Non-Finnish European, 0.00068%; no homozygotes.

Submission:

Labcorp Genetics (formerly Invitae), Labcorp
Classification: Uncertain significance. Last evaluated: 2024-03-07. Review status: criteria provided, single submitter. Criteria: Invitae Variant Classification Sherloc (09022015). Collection method: clinical testing. Allele origin: germline.
Comment: This sequence change replaces arginine, which is basic and polar, with glycine, which is neutral and non-polar, at codon 561 of the RHOBTB2 protein (p.Arg561Gly). This variant is present in population databases (rs571326568, gnomAD 0.004%). This variant has not been reported in the literature in individuals affected with RHOBTB2-related conditions. ClinVar contains an entry for this variant (Variation ID: 1380438). Advanced modeling of protein sequence and biophysical properties (such as structural, functional, and spatial information, amino acid conservation, physicochemical variation, residue mobility, and thermodynamic stability) performed at Invitae indicates that this missense variant is not expected to disrupt RHOBTB2 protein function with a negative predictive value of 80%. In summary, the available evidence is currently insufficient to determine the role of this variant in disease. Therefore, it has been classified as a Variant of Uncertain Significance.